The following is an entry in ClinVar:

ClinVar aggregate classification (germline): Likely pathogenic (1 of 4 stars; one submission).

Conditions:
Cystic fibrosis (CF). Also called: MUCOVISCIDOSIS. Identifiers: Orphanet 586, MedGen C0010674, MONDO:0009061, OMIM 219700. Disease mechanism: loss of function.

Submission:

Women's Health and Genetics/Laboratory Corporation of America, LabCorp
Classification: Likely pathogenic for Cystic fibrosis. Last evaluated: 2023-11-07. Review status: criteria provided, single submitter. Criteria: LabCorp Variant Classification Summary - May 2015. Collection method: clinical testing. Allele origin: germline.
Comment: Variant summary: The variant involves the duplication of exon 8 in the CFTR gene. A presumed nomenclature of c.(869+1_870-1)_(1116+1_1117-1)dup has been designated for the purposes of this classification. It is assumed to be a tandem duplication in direct orientation (Richardson_GIM_2018, Newman_AJHG_2015). This Copy Number Variant (CNV) is expected to alter the reading frame and predicted to result in a truncation or absence of the encoded protein due to nonsense mediated decay (NMD). The variant was absent in 21694 control chromosomes. To our knowledge, no occurrence of c.(869+1_870-1)_(1116+1_1117-1)dup in individuals affected with Cystic Fibrosis and no experimental evidence demonstrating its impact on protein function have been reported. No submitters have cited clinical-significance assessments for this variant to ClinVar after 2014. Based on the evidence outlined above, the variant was classified as likely pathogenic.

NC_000007.13:g.(117176728_117180153)_(117180401_117182069)dup

Gene: CFTR (CF transmembrane conductance regulator; plus strand). Cytogenetic location: 7q31.2.
Variant type: Duplication.
Identifiers: ClinVar variation 2682354 (VCV002682354.1).